The following is an entry in ClinVar:

ClinVar aggregate classification (germline): Conflicting classifications of pathogenicity. Review status: criteria provided, conflicting classifications (1 of 4 stars). 12 submissions from 10 submitters: Uncertain significance (3); Benign (1); Likely benign (5). 3 of the submissions do not count toward it. Last evaluated 2026-02-04.

Conditions:
Joubert syndrome. Also called: JOUBERT-BOLTSHAUSER SYNDROME; Familial aplasia of the vermis. Identifiers: Orphanet 475, MedGen C5979921, MONDO:0018772.
Meckel-Gruber syndrome. Also called: DYSENCEPHALIA SPLANCHNOCYSTICA; GRUBER SYNDROME; Dysencephalia splachnocystica. Identifiers: Orphanet 564, MedGen C0265215, MONDO:0018921.
Nephronophthisis 8. Identifiers: MedGen CN119610.
Meckel syndrome, type 5 (MKS5). Identifiers: Orphanet 564, MedGen C1969052, MONDO:0012695, OMIM 611561.
Joubert syndrome 7 (JBTS7). Identifiers: Orphanet 220497, MedGen C1969053, MONDO:0012694, OMIM 611560.

Allele frequency attached by ClinVar (database versions not stated): 1000 Genomes Project 0.00040; ExAC 0.00046; 1000 Genomes Project 30x 0.00047; gnomAD exomes 0.00047 and 0.00111; TOPMed 0.00057; gnomAD 0.00063 and 0.00064; ESP Exome Variant Server 0.00085.
gnomAD v4.1: 1,682 of 1,610,014 alleles (0.1%); highest among the groups gnomAD compares: Non-Finnish European, 0.13%; 3 homozygotes.

Submissions (12):

Labcorp Genetics (formerly Invitae), Labcorp
Classification: Benign for Joubert syndrome; Meckel-Gruber syndrome. Last evaluated: 2026-02-04. Review status: criteria provided, single submitter. Criteria: Invitae Variant Classification Sherloc (09022015). Collection method: clinical testing. Allele origin: germline.

CeGaT Center for Human Genetics Tuebingen
Classification: Likely benign. Last evaluated: 2026-02-01. Review status: criteria provided, single submitter. Criteria: CeGaT Center For Human Genetics Tuebingen Variant Classification Criteria Version 2. Collection method: clinical testing. Allele origin: germline. Affected: yes. Observed: 5 variant alleles.
Comment: RPGRIP1L: BP4, BP7

Mayo Clinic Laboratories, Mayo Clinic
Classification: Likely benign. Last evaluated: 2025-09-20. Review status: criteria provided, single submitter. Criteria: ACMG Guidelines, 2015. Collection method: clinical testing. Allele origin: germline. Observed: 4 variant alleles.
Comment: BP4, BP7

Blueprint Genetics
Classification: Likely benign. Last evaluated: 2024-11-25. Review status: criteria provided, single submitter. Criteria: ACMG Guidelines, 2015. Collection method: clinical testing. Allele origin: germline.

GeneDx
Classification: Likely benign. Last evaluated: 2021-06-07. Review status: criteria provided, single submitter. Criteria: GeneDx Variant Classification Process June 2021. Collection method: clinical testing. Allele origin: germline. Affected: yes.

Illumina Laboratory Services, Illumina
Classification: Uncertain significance for Joubert syndrome 7. Last evaluated: 2018-01-13. Review status: criteria provided, single submitter. Criteria: ICSL Variant Classification Criteria 13 December 2019. Collection method: clinical testing. Allele origin: germline.

Illumina Laboratory Services, Illumina
Classification: Uncertain significance for Meckel syndrome, type 5. Last evaluated: 2018-01-13. Review status: criteria provided, single submitter. Criteria: ICSL Variant Classification Criteria 13 December 2019. Collection method: clinical testing. Allele origin: germline.

Illumina Laboratory Services, Illumina
Classification: Uncertain significance for Nephronophthisis 8. Last evaluated: 2018-01-13. Review status: criteria provided, single submitter. Criteria: ICSL Variant Classification Criteria 13 December 2019. Collection method: clinical testing. Allele origin: germline.

PreventionGenetics, part of Exact Sciences
Classification: Likely benign. Review status: criteria provided, single submitter. Criteria: ACMG Guidelines, 2015. Collection method: clinical testing. Allele origin: germline.

Natera, Inc.
Classification: Likely benign for Joubert syndrome. Last evaluated: 2020-04-24. Review status: no assertion criteria provided. Collection method: clinical testing. Allele origin: germline. Not counted in ClinVar's aggregate classification.

Clinical Genetics DNA and cytogenetics Diagnostics Lab, Erasmus MC, Erasmus Medical Center
Classification: Likely benign. Review status: no assertion criteria provided. Collection method: clinical testing. Allele origin: germline. Affected: yes. Study: VKGL Data-share Consensus. Not counted in ClinVar's aggregate classification.

Clinical Genetics, Academic Medical Center
Classification: Benign. Review status: no assertion criteria provided. Collection method: clinical testing. Allele origin: germline. Affected: yes. Study: VKGL Data-share Consensus. Not counted in ClinVar's aggregate classification.

NM_015272.5(RPGRIP1L):c.3624C>T (p.Tyr1208=)

Gene: RPGRIP1L (RPGRIP1 like; minus strand). Cytogenetic location: 16q12.2.
Variant type: single nucleotide variant.
Coding change: c.3624C>T on transcript NM_015272.5 (MANE Select); coding-DNA position 3624, C replaced by T.
Protein change: p.Tyr1208=; no amino-acid change (tyrosine 1208 retained).
Molecular consequence: synonymous variant.
Genome position (GRCh38, 1-based): chr16:53,611,044, G>A on the plus strand (C>T on the coding strand, the complement: RPGRIP1L is on the minus strand). VCF-style: chr16-53611044-G-A. GRCh37 (hg19) VCF-style: chr16-53644956-G-A.
Other names: p.Tyr1208=; c.3384C>T, p.Tyr1128= (NM_001127897.4); c.3486C>T, p.Tyr1162= (NM_001308334.3); c.3522C>T, p.Tyr1174= (NM_001330538.2).
Identifiers: ClinVar variation 260608 (VCV000260608.48), dbSNP rs138724933, ClinGen allele CA8057230.